The following is an entry in ClinVar:

ClinVar aggregate classification (germline): Uncertain significance. Review status: criteria provided, multiple submitters, no conflicts (2 of 4 stars). 2 submissions from 2 submitters: Uncertain significance (2). Last evaluated 2024-08-13.

Conditions:
Inborn genetic diseases. Identifiers: MedGen C0950123, MeSH D030342.

Allele frequency attached by ClinVar (database versions not stated): gnomAD exomes 0.00005 and 0.00008; gnomAD 0.00013; 1000 Genomes Project 30x 0.00016; TOPMed 0.00018; ExAC 0.00019; 1000 Genomes Project 0.00020; ESP Exome Variant Server 0.00022.
gnomAD v4.1: 93 of 1,551,490 alleles (0.006%); highest among the groups gnomAD compares: East Asian, 0.071%; no homozygotes.

Submissions (2):

Labcorp Genetics (formerly Invitae), Labcorp
Classification: Uncertain significance. Last evaluated: 2024-08-13. Review status: criteria provided, single submitter. Criteria: Invitae Variant Classification Sherloc (09022015). Collection method: clinical testing. Allele origin: germline.
Comment: This sequence change replaces isoleucine, which is neutral and non-polar, with threonine, which is neutral and polar, at codon 3113 of the UNC80 protein (p.Ile3113Thr). This variant is present in population databases (rs376637361, gnomAD 0.03%). This variant has not been reported in the literature in individuals affected with UNC80-related conditions. ClinVar contains an entry for this variant (Variation ID: 1360158). Advanced modeling of protein sequence and biophysical properties (such as structural, functional, and spatial information, amino acid conservation, physicochemical variation, residue mobility, and thermodynamic stability) performed at Invitae indicates that this missense variant is not expected to disrupt UNC80 protein function with a negative predictive value of 80%. In summary, the available evidence is currently insufficient to determine the role of this variant in disease. Therefore, it has been classified as a Variant of Uncertain Significance.

Ambry Genetics
Classification: Uncertain significance for Inborn genetic diseases. Last evaluated: 2024-05-01. Review status: criteria provided, single submitter. Criteria: Ambry Variant Classification Scheme 2023. Collection method: clinical testing. Allele origin: germline.

NM_001371986.1(UNC80):c.9536T>C (p.Ile3179Thr)

Gene: UNC80 (unc-80 homolog, NALCN channel complex subunit; plus strand). Cytogenetic location: 2q34.
Variant type: single nucleotide variant.
Coding change: c.9536T>C on transcript NM_001371986.1 (MANE Select); coding-DNA position 9536, T replaced by C.
Protein change: p.Ile3179Thr; replaces isoleucine 3179 with threonine.
Molecular consequence: missense variant.
Genome position (GRCh38, 1-based): chr2:209,994,092, T>C. VCF-style: chr2-209994092-T-C. GRCh37 (hg19) VCF-style: chr2-210858816-T-C.
Other names: c.9338T>C, p.Ile3113Thr (NM_032504.2); c.9266T>C, p.Ile3089Thr (NM_182587.4); c.9338T>C (NM_032504.1); short protein forms I3179T, I3113T, I3089T.
Identifiers: ClinVar variation 1360158 (VCV001360158.7), dbSNP rs376637361, ClinGen allele CA2083690.